The following is an entry in ClinVar:

NM_004304.5(ALK):c.2990T>C (p.Met997Thr)

Gene: ALK (ALK receptor tyrosine kinase; minus strand). Cytogenetic location: 2p23.2.
Variant type: single nucleotide variant.
Coding change: c.2990T>C on transcript NM_004304.5 (MANE Select); coding-DNA position 2990, T replaced by C.
Protein change: p.Met997Thr; replaces methionine 997 with threonine.
Molecular consequence: missense variant.
Genome position (GRCh38, 1-based): chr2:29,226,999, A>G on the plus strand (T>C on the coding strand, the complement: ALK is on the minus strand). VCF-style: chr2-29226999-A-G. GRCh37 (hg19) VCF-style: chr2-29449865-A-G.
Other names: c.2990T>C (NM_004304.4); short protein forms M997T.
Identifiers: ClinVar variation 2980282 (VCV002980282.4), dbSNP rs2148178511, ClinGen allele CA346467706.

ClinVar aggregate classification (germline): Uncertain significance. Review status: criteria provided, multiple submitters, no conflicts (2 of 4 stars). 2 submissions from 2 submitters: Uncertain significance (2). Last evaluated 2025-06-27.

Conditions:
Hereditary cancer-predisposing syndrome. Also called: Tumor predisposition; Hereditary neoplastic syndrome; Neoplastic Syndromes, Hereditary; Hereditary Cancer Syndrome. Identifiers: Orphanet 140162, MedGen C0027672, MeSH D009386, MONDO:0015356.
Neuroblastoma, susceptibility to, 3. Also called: ALK-Related Neuroblastic Tumor Susceptibility. Identifiers: Orphanet 635, MedGen C2751681, MONDO:0013083, OMIM 613014.

gnomAD v4.1: 2 of 1,614,202 alleles (0.00012%); highest among the groups gnomAD compares: Non-Finnish European, 0.00017%; no homozygotes.

Submissions (2):

Ambry Genetics
Classification: Uncertain significance for Hereditary cancer-predisposing syndrome. Last evaluated: 2025-06-27. Review status: criteria provided, single submitter. Criteria: Ambry Variant Classification Scheme 2023. Collection method: clinical testing. Allele origin: germline.
Comment: The p.M997T variant (also known as c.2990T>C), located in coding exon 18 of the ALK gene, results from a T to C substitution at nucleotide position 2990. The methionine at codon 997 is replaced by threonine, an amino acid with similar properties. This amino acid position is conserved. In addition, this alteration is predicted to be tolerated by in silico analysis. Based on the available evidence, the clinical significance of this variant remains unclear.

Labcorp Genetics (formerly Invitae), Labcorp
Classification: Uncertain significance for Neuroblastoma, susceptibility to, 3. Last evaluated: 2023-03-20. Review status: criteria provided, single submitter. Criteria: Invitae Variant Classification Sherloc (09022015). Collection method: clinical testing. Allele origin: germline.
Comment: This sequence change replaces methionine, which is neutral and non-polar, with threonine, which is neutral and polar, at codon 997 of the ALK protein (p.Met997Thr). This variant is not present in population databases (gnomAD no frequency). This variant has not been reported in the literature in individuals affected with ALK-related conditions. An algorithm developed to predict the effect of missense changes on protein structure and function (PolyPhen-2) suggests that this variant is likely to be tolerated. In summary, the available evidence is currently insufficient to determine the role of this variant in disease. Therefore, it has been classified as a Variant of Uncertain Significance.